The following is an entry in ClinVar:

ClinVar aggregate classification (germline): Uncertain significance. Review status: criteria provided, multiple submitters, no conflicts (2 of 4 stars). 3 submissions from 3 submitters: Uncertain significance (3). Last evaluated 2025-08-11.

Conditions:
Inborn genetic diseases. Identifiers: MedGen C0950123, MeSH D030342.

Allele frequency attached by ClinVar (database versions not stated): TOPMed below 0.00001; gnomAD 0.00001; gnomAD exomes 0.00001 and 0.00002.
gnomAD v4.1: 27 of 1,613,918 alleles (0.0017%); highest among the groups gnomAD compares: Non-Finnish European, 0.0022%; no homozygotes.

Submissions (3):

Ambry Genetics
Classification: Uncertain significance for Inborn genetic diseases. Last evaluated: 2025-08-11. Review status: criteria provided, single submitter. Criteria: Ambry Variant Classification Scheme 2023. Collection method: clinical testing. Allele origin: germline.

GeneDx
Classification: Uncertain significance. Last evaluated: 2024-08-29. Review status: criteria provided, single submitter. Criteria: GeneDx Variant Classification Process June 2021. Collection method: clinical testing. Allele origin: germline. Affected: yes.
Comment: Not observed at significant frequency in large population cohorts (gnomAD); In silico analysis indicates that this missense variant does not alter protein structure/function; Has not been previously published as pathogenic or benign to our knowledge

Eurofins Ntd Llc (ga)
Classification: Uncertain significance. Last evaluated: 2017-03-09. Review status: criteria provided, single submitter. Criteria: EGL Classification Definitions 2015. Collection method: clinical testing. Allele origin: germline. Observed: 1 variant allele, 1 heterozygote.

NM_014363.6(SACS):c.11899C>G (p.Gln3967Glu)

Gene: SACS (sacsin molecular chaperone; minus strand). Cytogenetic location: 13q12.12.
Variant type: single nucleotide variant.
Coding change: c.11899C>G on transcript NM_014363.6 (MANE Select); coding-DNA position 11899, C replaced by G.
Protein change: p.Gln3967Glu; replaces glutamine 3967 with glutamic acid.
Molecular consequence: missense variant.
Genome position (GRCh38, 1-based): chr13:23,331,977, G>C on the plus strand (C>G on the coding strand, the complement: SACS is on the minus strand). VCF-style: chr13-23331977-G-C. GRCh37 (hg19) VCF-style: chr13-23906116-G-C.
Other names: c.11458C>G, p.Gln3820Glu (NM_001278055.2); c.11899C>G (NM_014363.4); short protein forms Q3967E, Q3820E.
Identifiers: ClinVar variation 500682 (VCV000500682.9), dbSNP rs1261408099, ClinGen allele CA387508944.
Genomic context (GRCh38, chr13:23,331,977, plus strand): 5'-GAGTCTCTTCATCTAATTGTTCTTCAAGTATACTGCTCAATAATCGAGGTCTAAGTTTTT[G>C]AGGAAAGAGCATTATCAACTTAGTGTGAAATCCATGGTCTTTCCCTAAGTAGCACTGGCT-3'
Protein context (NP_055178.3, residues 3957-3977): FHTKLIMLFP[Gln3967Glu]KLRPRLLSSI